The following is an entry in ClinVar:

NM_001376.5(DYNC1H1):c.10117T>C (p.Ser3373Pro)

Gene: DYNC1H1 (dynein cytoplasmic 1 heavy chain 1; plus strand). Cytogenetic location: 14q32.31.
Variant type: single nucleotide variant.
Coding change: c.10117T>C on transcript NM_001376.5 (MANE Select); coding-DNA position 10117, T replaced by C.
Protein change: p.Ser3373Pro; replaces serine 3373 with proline.
Molecular consequence: missense variant.
Genome position (GRCh38, 1-based): chr14:102,033,102, T>C. VCF-style: chr14-102033102-T-C. GRCh37 (hg19) VCF-style: chr14-102499439-T-C.
Other names: short protein forms S3373P.
Identifiers: ClinVar variation 1339084 (VCV001339084.2), dbSNP rs2152591676, ClinGen allele CA391022011.

ClinVar aggregate classification (germline): Uncertain significance (1 of 4 stars; one submission).

Conditions:
Cortical dysplasia, complex, with other brain malformations 13. Also called: Intellectual disability, autosomal dominant 13. Identifiers: MedGen C3281202, MONDO:0013805, OMIM 614563.

Submission:

Neuberg Centre For Genomic Medicine, NCGM
Classification: Uncertain significance for Cortical dysplasia, complex, with other brain malformations 13. Review status: criteria provided, single submitter. Criteria: ACMG Guidelines, 2015. Collection method: clinical testing. Allele origin: germline. Affected: yes.
Comment: The missense variant p.S3373P in DYNC1H1 (NM_001376.5) has not been reported previously as a pathogenic variant nor as a benign variant, to our knowledge. The p.S3373P variant is novel (not in any individuals) in gnomAD Exomes and is novel (not in any individuals) in 1000 Genomes. The p.S3373P missense variant is predicted to be damaging by both SIFT and PolyPhen2. The serine residue at codon 3373 of DYNC1H1 is conserved in all mammalian species. The nucleotide c.10117 in DYNC1H1 is predicted conserved by GERP++ and PhyloP across 100 vertebrates. For these reasons, this variant has been classified as Uncertain Significance.